The following is an entry in ClinVar:

ClinVar aggregate classification (germline): Conflicting classifications of pathogenicity. Review status: criteria provided, conflicting classifications (1 of 4 stars). 9 submissions from 9 submitters: Uncertain significance (7); Benign (1); Likely benign (1). Last evaluated 2025-02-26.

Conditions:
Charcot-Marie-Tooth disease type 4B3. Also called: Charcot-Marie-Tooth Neuropathy Type 4B3; CHARCOT-MARIE-TOOTH DISEASE, DEMYELINATING, TYPE 4B3. Identifiers: Orphanet 363981, MedGen C3695063, MONDO:0014117, OMIM 615284.
Tip-toe gait. Also called: Toe walking. Identifiers: MedGen C0427144, HP:0030051.

Allele frequency attached by ClinVar (database versions not stated): ESP Exome Variant Server 0.00015; gnomAD exomes 0.00019 and 0.00025; TOPMed 0.00026; ExAC 0.00027; gnomAD 0.00033 and 0.00036.
gnomAD v4.1: 413 of 1,613,788 alleles (0.026%); highest among the groups gnomAD compares: Non-Finnish European, 0.032%; no homozygotes.

Submissions (9):

Ambry Genetics
Classification: Uncertain significance. Last evaluated: 2025-02-26. Review status: criteria provided, single submitter. Criteria: Ambry Variant Classification Scheme 2023. Collection method: clinical testing. Allele origin: germline.

Women's Health and Genetics/Laboratory Corporation of America, LabCorp
Classification: Uncertain significance. Last evaluated: 2024-12-30. Review status: criteria provided, single submitter. Criteria: LabCorp Variant Classification Summary - May 2015. Collection method: clinical testing. Allele origin: germline.
Comment: Variant summary: SBF1 c.5471G>A (p.Arg1824His) results in a non-conservative amino acid change in the encoded protein sequence. Three of five in-silico tools predict a damaging effect of the variant on protein function. The variant allele was found at a frequency of 0.00019 in 249486 control chromosomes. This frequency is not significantly higher than estimated for a pathogenic variant in SBF1 causing Charcot-Marie-Tooth disease type 4B3 (0.00019 vs 0.0011), allowing no conclusion about variant significance. To our knowledge, no occurrence of c.5471G>A in individuals affected with Charcot-Marie-Tooth disease type 4B3 and no experimental evidence demonstrating its impact on protein function have been reported. ClinVar contains an entry for this variant (Variation ID: 623999). Based on the evidence outlined above, the variant was classified as uncertain significance.

Blueprint Genetics
Classification: Uncertain significance. Last evaluated: 2024-10-30. Review status: criteria provided, single submitter. Criteria: ACMG Guidelines, 2015. Collection method: clinical testing. Allele origin: germline.

CeGaT Center for Human Genetics Tuebingen
Classification: Uncertain significance. Last evaluated: 2023-07-01. Review status: criteria provided, single submitter. Criteria: CeGaT Center For Human Genetics Tuebingen Variant Classification Criteria Version 2. Collection method: clinical testing. Allele origin: germline. Affected: yes. Observed: 3 variant alleles.
Comment: SBF1: PM2

Mayo Clinic Laboratories, Mayo Clinic
Classification: Uncertain significance. Last evaluated: 2023-05-02. Review status: criteria provided, single submitter. Criteria: ACMG Guidelines, 2015. Collection method: clinical testing. Allele origin: germline. Observed: 2 variant alleles.

Labcorp Genetics (formerly Invitae), Labcorp
Classification: Uncertain significance. Last evaluated: 2022-08-21. Review status: criteria provided, single submitter. Criteria: Invitae Variant Classification Sherloc (09022015). Collection method: clinical testing. Allele origin: germline.
Comment: This sequence change replaces arginine, which is basic and polar, with histidine, which is basic and polar, at codon 1824 of the SBF1 protein (p.Arg1824His). This variant is present in population databases (rs202149945, gnomAD 0.05%). This variant has not been reported in the literature in individuals affected with SBF1-related conditions. ClinVar contains an entry for this variant (Variation ID: 623999). Algorithms developed to predict the effect of missense changes on protein structure and function are either unavailable or do not agree on the potential impact of this missense change (SIFT: "Deleterious"; PolyPhen-2: "Possibly Damaging"; Align-GVGD: "Class C0"). In summary, the available evidence is currently insufficient to determine the role of this variant in disease. Therefore, it has been classified as a Variant of Uncertain Significance.

Practice for Gait Abnormalities, David Pomarino, Competency Network Toe Walking C/o Practice Pomarino
Classification: Benign for Tip-toe gait. Last evaluated: 2021-07-01. Review status: criteria provided, single submitter. Criteria: Pomarino et al. (Glob Med Genet. 2026). Collection method: clinical testing. Allele origin: germline. Affected: yes.

GeneDx
Classification: Likely benign. Last evaluated: 2020-06-22. Review status: criteria provided, single submitter. Criteria: GeneDx Variant Classification Process June 2021. Collection method: clinical testing. Allele origin: germline. Affected: yes.

ARUP Laboratories, Molecular Genetics and Genomics, ARUP Laboratories
Classification: Uncertain significance for Charcot-Marie-Tooth disease type 4B3. Last evaluated: 2018-11-20. Review status: criteria provided, single submitter. Criteria: ARUP Molecular Germline Variant Investigation Process. Collection method: clinical testing. Allele origin: germline.
Comment: The SBF1 c.5471G>A; p.Arg1824His variant (rs202149945), to our knowledge, is not reported in the medical literature or gene specific databases. This variant is found in the non-Finnish European population with an allele frequency of 0.054% (69/128,564 alleles, including a single homozygote) in the Genome Aggregation Database. The arginine at codon 1824 is moderately conserved, and computational analyses (SIFT: tolerated, PolyPhen-2: possibly damaging) predict conflicting effects of this variant on protein structure/function. Due to limited information, the clinical significance of the p.Arg1824His variant is uncertain at this time.

NM_002972.4(SBF1):c.5471G>A (p.Arg1824His)

Gene: SBF1 (SET binding factor 1; minus strand). Cytogenetic location: 22q13.33.
Variant type: single nucleotide variant.
Coding change: c.5471G>A on transcript NM_002972.4 (MANE Select); coding-DNA position 5471, G replaced by A.
Protein change: p.Arg1824His; replaces arginine 1824 with histidine.
Molecular consequence: missense variant.
Genome position (GRCh38, 1-based): chr22:50,447,434, C>T on the plus strand (G>A on the coding strand, the complement: SBF1 is on the minus strand). VCF-style: chr22-50447434-C-T. GRCh37 (hg19) VCF-style: chr22-50885863-C-T.
Other names: c.5396G>A, p.Arg1799His (NM_001365819.1); short protein forms R1824H, R1799H.
Identifiers: ClinVar variation 623999 (VCV000623999.66), dbSNP rs202149945, ClinGen allele CA10315820.